The following is an entry in ClinVar:

NM_000183.3(HADHB):c.608G>A (p.Arg203Gln)

Gene: HADHB (hydroxyacyl-CoA dehydrogenase trifunctional multienzyme complex subunit beta; plus strand). Cytogenetic location: 2p23.3.
Variant type: single nucleotide variant.
Coding change: c.608G>A on transcript NM_000183.3 (MANE Select); coding-DNA position 608, G replaced by A.
Protein change: p.Arg203Gln; replaces arginine 203 with glutamine.
Molecular consequence: missense variant.
Genome position (GRCh38, 1-based): chr2:26,278,779, G>A. VCF-style: chr2-26278779-G-A. GRCh37 (hg19) VCF-style: chr2-26501647-G-A.
Other names: p.Arg203Gln; c.563G>A, p.Arg188Gln (NM_001281512.2); c.542G>A, p.Arg181Gln (NM_001281513.2); short protein forms R181Q, R188Q, R203Q.
Identifiers: ClinVar variation 1343446 (VCV001343446.5), dbSNP rs749861331, ClinGen allele CA1560275.

ClinVar aggregate classification (germline): Uncertain significance. Review status: criteria provided, multiple submitters, no conflicts (2 of 4 stars). 3 submissions from 3 submitters: Uncertain significance (3). Last evaluated 2023-03-30.

Conditions:
Mitochondrial trifunctional protein deficiency. Identifiers: Orphanet 746, MedGen C1969443, MONDO:0012172.

Allele frequency attached by ClinVar (database versions not stated): ExAC 0.00001; gnomAD 0.00001; gnomAD exomes 0.00001 and 0.00002.
gnomAD v4.1: 30 of 1,613,890 alleles (0.0019%); highest among the groups gnomAD compares: South Asian, 0.011%; no homozygotes.

Submissions (3):

Mayo Clinic Laboratories, Mayo Clinic
Classification: Uncertain significance. Last evaluated: 2023-03-30. Review status: criteria provided, single submitter. Criteria: ACMG Guidelines, 2015. Collection method: clinical testing. Allele origin: germline. Observed: 1 variant allele.
Comment: PP3

Labcorp Genetics (formerly Invitae), Labcorp
Classification: Uncertain significance for Mitochondrial trifunctional protein deficiency. Last evaluated: 2022-07-06. Review status: criteria provided, single submitter. Criteria: Invitae Variant Classification Sherloc (09022015). Collection method: clinical testing. Allele origin: germline.
Comment: This sequence change replaces arginine, which is basic and polar, with glutamine, which is neutral and polar, at codon 203 of the HADHB protein (p.Arg203Gln). This variant is present in population databases (rs749861331, gnomAD 0.01%). This variant has not been reported in the literature in individuals affected with HADHB-related conditions. ClinVar contains an entry for this variant (Variation ID: 1343446). Algorithms developed to predict the effect of missense changes on protein structure and function are either unavailable or do not agree on the potential impact of this missense change (SIFT: "Tolerated"; PolyPhen-2: "Possibly Damaging"; Align-GVGD: "Class C0"). In summary, the available evidence is currently insufficient to determine the role of this variant in disease. Therefore, it has been classified as a Variant of Uncertain Significance.

Women's Health and Genetics/Laboratory Corporation of America, LabCorp
Classification: Uncertain significance. Last evaluated: 2022-02-17. Review status: criteria provided, single submitter. Criteria: LabCorp Variant Classification Summary - May 2015. Collection method: clinical testing. Allele origin: germline.